The following is an entry in ClinVar:

ClinVar aggregate classification (germline): Uncertain significance. Review status: criteria provided, multiple submitters, no conflicts (2 of 4 stars). 5 submissions from 5 submitters: Uncertain significance (5). Last evaluated 2026-10-12.

Conditions:
Adenylosuccinate lyase deficiency (ADSLD). Also called: ADSL DEFICIENCY. Identifiers: Orphanet 46, MedGen C0268126, MONDO:0007068, OMIM 103050.

Allele frequency attached by ClinVar (database versions not stated): ExAC 0.00004; gnomAD exomes 0.00005 and 0.00004; gnomAD 0.00002; TOPMed 0.00004.
gnomAD v4.1: 58 of 1,614,044 alleles (0.0036%); highest among the groups gnomAD compares: Middle Eastern, 0.033%; no homozygotes.

Submissions (5):

GeneDx
Classification: Uncertain significance. Last evaluated: 2026-10-12. Review status: criteria provided, single submitter. Criteria: GeneDx Variant Classification Process June 2021. Collection method: clinical testing. Allele origin: germline.
Comment: Not observed at significant frequency in large population cohorts (gnomAD); In silico analysis supports that this missense variant has a deleterious effect on protein structure/function; Has not been previously published as pathogenic or benign to our knowledge

Labcorp Genetics (formerly Invitae), Labcorp
Classification: Uncertain significance for Adenylosuccinate lyase deficiency. Last evaluated: 2025-12-03. Review status: criteria provided, single submitter. Criteria: Invitae Variant Classification Sherloc (09022015). Collection method: clinical testing. Allele origin: germline.
Comment: This sequence change replaces arginine, which is basic and polar, with glutamine, which is neutral and polar, at codon 296 of the ADSL protein (p.Arg296Gln). This variant is present in population databases (rs755059672, gnomAD 0.01%). This variant has not been reported in the literature in individuals affected with ADSL-related conditions. ClinVar contains an entry for this variant (Variation ID: 459620). Invitae Evidence Modeling of protein sequence and biophysical properties (such as structural, functional, and spatial information, amino acid conservation, physicochemical variation, residue mobility, and thermodynamic stability) indicates that this missense variant is not expected to disrupt ADSL protein function with a negative predictive value of 80%. This variant disrupts the p.Arg296 amino acid residue in ADSL. Other variant(s) that disrupt this residue have been determined to be pathogenic (PMID: 37842880). This suggests that this residue is clinically significant, and that variants that disrupt this residue are likely to be disease-causing. In summary, the available evidence is currently insufficient to determine the role of this variant in disease. Therefore, it has been classified as a Variant of Uncertain Significance.

Fulgent Genetics
Classification: Uncertain significance for Adenylosuccinate lyase deficiency. Last evaluated: 2021-07-03. Review status: criteria provided, single submitter. Criteria: ACMG Guidelines, 2015. Collection method: clinical testing. Allele origin: unknown.

Eurofins Ntd Llc (ga)
Classification: Uncertain significance. Last evaluated: 2017-08-24. Review status: criteria provided, single submitter. Criteria: EGL Classification Definitions 2015. Collection method: clinical testing. Allele origin: germline. Observed: 1 variant allele, 1 heterozygote.

Mayo Clinic Laboratories, Mayo Clinic
Classification: Uncertain significance for Adenylosuccinate lyase deficiency. Last evaluated: 2016-11-30. Review status: criteria provided, single submitter. Criteria: ACMG Guidelines, 2015. Collection method: clinical testing. Allele origin: maternal.

Literature cited by the submitters: PubMed 37842880 (cited by Labcorp Genetics (formerly Invitae), Labcorp).

NM_000026.4(ADSL):c.887G>A (p.Arg296Gln)

Gene: ADSL (adenylosuccinate lyase; plus strand). Cytogenetic location: 22q13.1.
Variant type: single nucleotide variant.
Coding change: c.887G>A on transcript NM_000026.4 (MANE Select); coding-DNA position 887, G replaced by A.
Protein change: p.Arg296Gln; replaces arginine 296 with glutamine.
Molecular consequence: missense variant. On other transcripts: non-coding transcript variant (1).
Genome position (GRCh38, 1-based): chr22:40,361,512, G>A. VCF-style: chr22-40361512-G-A. GRCh37 (hg19) VCF-style: chr22-40757516-G-A.
Other names: c.887G>A, p.Arg296Gln (NM_001123378.3, NM_001363840.3); c.695G>A, p.Arg232Gln (NM_001317923.2); short protein forms R296Q, R232Q.
Identifiers: ClinVar variation 459620 (VCV000459620.20), dbSNP rs755059672, ClinGen allele CA10247866.